The following is an entry in ClinVar:

NM_000090.4(COL3A1):c.4del (p.Met1_Met2insTer)

Gene: COL3A1 (collagen type III alpha 1 chain; plus strand). Cytogenetic location: 2q32.2.
Variant type: Deletion.
Coding change: c.4del on transcript NM_000090.4 (MANE Select); coding-DNA position 4, one base deleted (A; older notation c.4delA).
Protein change: p.Met1_Met2insTer.
Molecular consequence: nonsense.
Genome position (GRCh38, 1-based): chr2:188,974,493, A deleted. VCF-style (leftmost placement, unchanged base first): chr2-188974492-GA-G. GRCh37 (hg19) VCF-style: chr2-189839218-GA-G.
Identifiers: ClinVar variation 2824645 (VCV002824645.3), dbSNP rs2469084903, ClinGen allele CA2739279216.

ClinVar aggregate classification (germline): Pathogenic (1 of 4 stars; one submission).

Conditions:
Ehlers-Danlos syndrome, type 4 (EDSVASC). Also called: Ehlers-Danlos Syndrome Type IV; Ehlers-Danlos syndrome vascular type; Ehlers Danlos syndrome, ecchymotic type; Ehlers Danlos syndrome, arterial type; Ehlers Danlos syndrome, Sack-Barabas type. Identifiers: Orphanet 286, MedGen C0268338, MONDO:0017314, OMIM 130050.

Submission:

Labcorp Genetics (formerly Invitae), Labcorp
Classification: Pathogenic for Ehlers-Danlos syndrome, type 4. Last evaluated: 2023-06-23. Review status: criteria provided, single submitter. Criteria: Invitae Variant Classification Sherloc (09022015). Collection method: clinical testing. Allele origin: germline.
Comment: This sequence change creates a premature translational stop signal (p.Met2*) in the COL3A1 gene. It is expected to result in an absent or disrupted protein product. Loss-of-function variants in COL3A1 are known to be pathogenic (PMID: 24922459). This variant is not present in population databases (gnomAD no frequency). This premature translational stop signal has been observed in individual(s) with Ehlers-Danlos syndrome (Invitae). For these reasons, this variant has been classified as Pathogenic.

Literature cited by the submitters: PubMed 24922459.